The following is an entry in ClinVar:

NM_080680.3(COL11A2):c.1378G>T (p.Gly460Trp)

Gene: COL11A2 (collagen type XI alpha 2 chain; minus strand). Cytogenetic location: 6p21.32.
Variant type: single nucleotide variant.
Coding change: c.1378G>T on transcript NM_080680.3 (MANE Select); coding-DNA position 1378, G replaced by T.
Protein change: p.Gly460Trp; replaces glycine 460 with tryptophan.
Molecular consequence: missense variant.
Genome position (GRCh38, 1-based): chr6:33,179,787, C>A on the plus strand (G>T on the coding strand, the complement: COL11A2 is on the minus strand). VCF-style: chr6-33179787-C-A. GRCh37 (hg19) VCF-style: chr6-33147564-C-A.
Other names: c.1057G>T, p.Gly353Trp (NM_080679.3); c.1120G>T, p.Gly374Trp (NM_080681.3); short protein forms G353W, G374W, G460W.
Identifiers: ClinVar variation 1597965 (VCV001597965.17), dbSNP rs200635355, ClinGen allele CA3751370.

ClinVar aggregate classification (germline): Conflicting classifications of pathogenicity. Review status: criteria provided, conflicting classifications (1 of 4 stars). 5 submissions from 5 submitters: Uncertain significance (4); Benign (1). Last evaluated 2026-07-08.

Conditions:
Connective tissue disorder. Also called: Connective tissue disease. Identifiers: MedGen C0009782, MONDO:0003900.
Autosomal dominant nonsyndromic hearing loss 13. Identifiers: Orphanet 90635, MedGen C1866095, MONDO:0011159, OMIM 601868.

Allele frequency attached by ClinVar (database versions not stated): gnomAD 0.00008; ExAC 0.00028; gnomAD exomes 0.00029; 1000 Genomes Project 30x 0.00016; 1000 Genomes Project 0.00020.
gnomAD v4.1: 74 of 1,611,706 alleles (0.0046%); highest among the groups gnomAD compares: East Asian, 0.15%; no homozygotes.

Submissions (5):

GeneDx
Classification: Uncertain significance. Last evaluated: 2026-07-08. Review status: criteria provided, single submitter. Criteria: GeneDx Variant Classification Process June 2021. Collection method: clinical testing. Allele origin: germline.
Comment: Has not been previously published as pathogenic or benign to our knowledge; In silico analysis supports that this missense variant has a deleterious effect on protein structure/function

Labcorp Genetics (formerly Invitae), Labcorp
Classification: Benign. Last evaluated: 2026-01-28. Review status: criteria provided, single submitter. Criteria: Invitae Variant Classification Sherloc (09022015). Collection method: clinical testing. Allele origin: germline.

Revvity Omics, Revvity
Classification: Uncertain significance. Last evaluated: 2021-10-13. Review status: criteria provided, single submitter. Criteria: ACMG Guidelines, 2015. Collection method: clinical testing. Allele origin: germline.

Victorian Clinical Genetics Services, Murdoch Childrens Research Institute
Classification: Uncertain significance for Autosomal dominant nonsyndromic hearing loss 13. Last evaluated: 2019-08-28. Review status: criteria provided, single submitter. Criteria: ACMG Guidelines, 2015. Collection method: clinical testing. Allele origin: germline. Affected: yes.
Comment: A heterozygous missense variant, NM_080680.2(COL11A2):c.1378G>T, has been identified in exon 13 of 66 of the COL11A2 gene. The variant is predicted to result in a major amino acid change from glycine to tryptophan at position 460 of the protein (NP_542411.2(COL11A2):p.(Gly460Trp)). The glycine residue at this position has low conservation (100 vertebrates, UCSC), but is not located within a well established functional domain. In silico predictions for this variant are consistently pathogenic (Polyphen, SIFT, CADD, Mutation Taster). The variant is present in the gnomAD database at a frequency of 0.03% (81 heterozygotes, 0 homozygotes). The variant has been previously described as a variant of uncertain significance (Deafness variation database). A synonymous change in the same codon has also been reported as a VUS (ClinVar). Based on the information available at the time of curation, this variant has been classified as a VARIANT of UNCERTAIN SIGNIFICANCE (VUS).

Genome Diagnostics Laboratory, The Hospital for Sick Children
Classification: Uncertain significance for Connective tissue disorder. Last evaluated: 2019-05-01. Review status: criteria provided, single submitter. Criteria: ACMG Guidelines, 2015. Collection method: clinical testing. Allele origin: germline.